The following is an entry in ClinVar:

NM_000372.5(TYR):c.1115G>A (p.Gly372Glu)

Gene: TYR (tyrosinase; plus strand). Cytogenetic location: 11q14.3.
Variant type: single nucleotide variant.
Coding change: c.1115G>A on transcript NM_000372.5 (MANE Select); coding-DNA position 1115, G replaced by A.
Protein change: p.Gly372Glu; replaces glycine 372 with glutamic acid.
Molecular consequence: missense variant.
Genome position (GRCh38, 1-based): chr11:89,227,901, G>A. VCF-style: chr11-89227901-G-A. GRCh37 (hg19) VCF-style: chr11-88961069-G-A.
Other names: short protein forms G372E.
Identifiers: ClinVar variation 4913523 (VCV004913523.2).

ClinVar aggregate classification (germline): Conflicting classifications of pathogenicity. Review status: criteria provided, conflicting classifications (1 of 4 stars). 2 submissions from 2 submitters: Likely pathogenic (1); Uncertain significance (1). Last evaluated 2026-06-27.

Conditions:
Oculocutaneous albinism type 1. Also called: Albinism 1; ALBINISM I. Identifiers: Orphanet 352731, MedGen C0268494, MONDO:0018135. Disease mechanism: loss of function.

gnomAD v4.1: 4 of 1,613,394 alleles (0.00025%); highest among the groups gnomAD compares: African/African-American, 0.0053%; no homozygotes.

Submissions (2):

Myriad Genetics, Inc.
Classification: Likely pathogenic for Oculocutaneous albinism type 1. Last evaluated: 2026-06-27. Review status: criteria provided, single submitter. Criteria: Myriad Autosomal Dominant, Autosomal Recessive and X-Linked Classification Criteria (2023). Collection method: clinical testing. Allele origin: unknown.
Comment: NM_000372.4(TYR):c.1115G>A(G372E) is a missense variant classified as likely pathogenic in the context of oculocutaneous albinism, TYR-related. G372E has been observed in cases with relevant disease (PMID: 27734839, 38720644). Relevant functional assessments of this variant are not available in the literature. Internal structural analysis of the variant is supportive of pathogenicity. G372E has not been observed in referenced population frequency databases. In summary, NM_000372.4(TYR):c.1115G>A(G372E) is a missense variant that has internal structural support for pathogenicity and has been observed more frequently in cases with the relevant disease than in healthy populations. Please note: this variant was assessed in the context of healthy population screening.

Blueprint Genetics
Classification: Uncertain significance. Last evaluated: 2021-09-29. Review status: criteria provided, single submitter. Criteria: ACMG Guidelines, 2015. Collection method: clinical testing. Allele origin: germline.

Literature cited by the submitters: PubMed 27734839 (cited by Myriad Genetics, Inc.); PubMed 38720644 (cited by Myriad Genetics, Inc.).